The following is an entry in ClinVar:

NM_000552.5(VWF):c.1117C>T (p.Arg373Ter)

Gene: VWF (von Willebrand factor; minus strand). Cytogenetic location: 12p13.31.
Variant type: single nucleotide variant.
Coding change: c.1117C>T on transcript NM_000552.5 (MANE Select); coding-DNA position 1117, C replaced by T.
Protein change: p.Arg373Ter; replaces arginine 373 with a stop codon.
Molecular consequence: nonsense.
Genome position (GRCh38, 1-based): chr12:6,071,336, G>A on the plus strand (C>T on the coding strand, the complement: VWF is on the minus strand). VCF-style: chr12-6071336-G-A. GRCh37 (hg19) VCF-style: chr12-6180502-G-A.
Other names: short protein forms R373*.
Identifiers: ClinVar variation 100175 (VCV000100175.5), dbSNP rs62643625, ClinGen allele CA228261.
Genomic context (GRCh38, chr12:6,071,336, plus strand): 5'-AATGAGCGGCAGGTCGCCTACCTGGACATTCTTCATTGCTGCAGATCCACTGGCTGTTTC[G>A]GCAAATGCTGTTGGAGGGAAAAAGCACAGGTCATTGGTGGTTCTGCAAACACAAGGGTAT-3'

ClinVar aggregate classification (germline): Pathogenic. Review status: criteria provided, multiple submitters, no conflicts (2 of 4 stars). 4 submissions from 4 submitters: Pathogenic (3). 1 of the submissions does not count toward it. Last evaluated 2025-03-04.

Conditions:
Hereditary von Willebrand disease. Identifiers: Orphanet 903, MedGen C5703318, MONDO:0019565. Inheritance: Autosomal recessive or Autosomal dominant.
VWF-related disorder. Also called: VWF-related disorders; VWF-related condition.

Allele frequency attached by ClinVar (database versions not stated): gnomAD below 0.00001 and 0.00001; TOPMed below 0.00001; gnomAD exomes 0.00002; ExAC 0.00003.
gnomAD v4.1: 13 of 1,614,004 alleles (0.00081%); highest among the groups gnomAD compares: South Asian, 0.0088%; no homozygotes.

Submissions (4):

Center for Genomic Medicine, Rigshospitalet, Copenhagen University Hospital
Classification: Pathogenic. Last evaluated: 2025-03-04. Review status: criteria provided, single submitter. Criteria: ACMG Guidelines, 2015. Collection method: clinical testing. Allele origin: germline.

Women's Health and Genetics/Laboratory Corporation of America, LabCorp
Classification: Pathogenic for von Willebrand disorder. Last evaluated: 2023-12-21. Review status: criteria provided, single submitter. Criteria: LabCorp Variant Classification Summary - May 2015. Collection method: clinical testing. Allele origin: germline.
Comment: Variant summary: VWF c.1117C>T (p.Arg373X) results in a premature termination codon, predicted to cause a truncation of the encoded protein or absence of the protein due to nonsense mediated decay, which are commonly known mechanisms for disease. The variant allele was found at a frequency of 2.4e-05 in 251032 control chromosomes (gnomAD). The available data on variant occurrences in the general population are insufficient to allow any conclusion about variant significance. c.1117C>T has been reported in the literature in individuals affected with Von Willebrand Disease (VWD), including at least one homozygous patient affected with Type 3 VWD (e.g., Baronciani_2003). These data indicate that the variant is very likely to be associated with disease. The following publication was ascertained in the context of this evaluation (PMID: 11057846). One submitter has reported clinical-significance assessments for this variant to ClinVar after 2014 and has classified the variant as pathogenic. Based on the evidence outlined above, the variant was classified as pathogenic.

Blueprint Genetics
Classification: Pathogenic for VWF-related disorders. Last evaluated: 2021-12-28. Review status: criteria provided, single submitter. Criteria: ACMG Guidelines, 2015. Collection method: clinical testing. Allele origin: germline. Affected: yes. Observed: 1 variant allele.

Academic Unit of Haematology, University of Sheffield
No classification provided. Review status: no classification provided. Collection method: not provided. Allele origin: not provided. Not counted in ClinVar's aggregate classification.

Literature cited by the submitters: PubMed 29984440 (cited by Center for Genomic Medicine, Rigshospitalet, Copenhagen University Hospital); PubMed 11057846 (cited by Center for Genomic Medicine, Rigshospitalet, Copenhagen University Hospital and Women's Health and Genetics/Laboratory Corporation of America, LabCorp).